The following is an entry in ClinVar:

NC_000007.13:g.(?_83606428)_(83614813_?)del

Gene: SEMA3A (semaphorin 3A; minus strand). Cytogenetic location: 7q21.11.
Variant type: Deletion.
Identifiers: ClinVar variation 3245897 (VCV003245897.1).

ClinVar aggregate classification (germline): Pathogenic (1 of 4 stars; one submission).

Submission:

Labcorp Genetics (formerly Invitae), Labcorp
Classification: Pathogenic. Last evaluated: 2023-08-27. Review status: criteria provided, single submitter. Criteria: Invitae Variant Classification Sherloc (09022015). Collection method: clinical testing. Allele origin: unknown.
Comment: This variant is a gross deletion of the genomic region encompassing exon(s) 13-15 of the SEMA3A gene. This deletion is out-of-frame, and is expected to create a premature termination codon and result in an absent or disrupted protein product. Loss-of-function variants in SEMA3A are known to be pathogenic (PMID: 28075028, 33369061). This variant has not been reported in the literature in individuals affected with SEMA3A-related conditions. For these reasons, this variant has been classified as Pathogenic.

Literature cited by the submitters: PubMed 28075028; PubMed 33369061.